The following is an entry in ClinVar:

NM_000088.4(COL1A1):c.543G>A (p.Met181Ile)

Gene: COL1A1 (collagen type I alpha 1 chain; minus strand). Cytogenetic location: 17q21.33.
Variant type: single nucleotide variant.
Coding change: c.543G>A on transcript NM_000088.4 (MANE Select); coding-DNA position 543, G replaced by A.
Protein change: p.Met181Ile; replaces methionine 181 with isoleucine.
Molecular consequence: missense variant.
Genome position (GRCh38, 1-based): chr17:50,198,433, C>T on the plus strand (G>A on the coding strand, the complement: COL1A1 is on the minus strand). VCF-style: chr17-50198433-C-T. GRCh37 (hg19) VCF-style: chr17-48275794-C-T.
Other names: IVS6DS, G-A, -1; c.543G>A (NM_000088.3); c.472_543del72 (NM_000088.3); short protein forms M181I.
Identifiers: ClinVar variation 17311 (VCV000017311.11), dbSNP rs72667022, ClinGen allele CA10575534.

ClinVar aggregate classification (germline): Pathogenic/Likely pathogenic. Review status: criteria provided, multiple submitters, no conflicts (2 of 4 stars). 6 submissions from 6 submitters: Pathogenic (3); Likely pathogenic (2). 1 of the submissions does not count toward it. Last evaluated 2025-07-30.

Conditions:
Cardiovascular phenotype. Identifiers: MedGen CN230736.
Ehlers-Danlos syndrome, arthrochalasia type. Also called: Ehlers-Danlos syndrome, arthrochalasis type; ARTHROCHALASIS MULTIPLEX CONGENITA; Ehlers-Danlos syndrome, arthrochalasia type, 1; EDS VII, MUTANT PROCOLLAGEN TYPE; EDS VIIA. Identifiers: Orphanet 1899, Orphanet 99875, Orphanet 99876, MedGen C4551623, MONDO:0007525, OMIM 130060.
Osteogenesis imperfecta type I (OI1). Also called: OI, TYPE I; OSTEOGENESIS IMPERFECTA TARDA; OSTEOGENESIS IMPERFECTA WITH BLUE SCLERAE; Lobstein disease; Osteogenesis imperfecta type 1; Lobstein's Disease. Identifiers: Orphanet 216796, Orphanet 666, MedGen C0023931, MONDO:0008146, OMIM 166200. Disease mechanism: loss of function.

Submissions (6):

Ambry Genetics
Classification: Pathogenic for Cardiovascular phenotype. Last evaluated: 2025-07-30. Review status: criteria provided, single submitter. Criteria: Ambry Variant Classification Scheme 2023. Collection method: clinical testing. Allele origin: germline.
Comment: The c.543G>A (p.M181I) alteration is located in exon 6 (coding exon 6) of the COL1A1 gene. This alteration results from a G to A substitution at nucleotide position 543, causing the methionine (M) at amino acid position 181 to be replaced by an isoleucine (I). for COL1A1-related Ehlers-Danlos syndrome; however, its clinical significance for COL1A1-related osteogenesis imperfecta/overlap disorder and Caffey disease is uncertain. This variant was not reported in population-based cohorts in the Genome Aggregation Database (gnomAD). This variant was reported in individual(s) with features consistent with arthrochalasia Ehlers-Danlos syndrome; in at least one individual, it was determined to be de novo (Cole, 1986; Weil, 1989; D'Alessio, 1991; Ayoub, 2020). This nucleotide position is highly conserved in available vertebrate species. This amino acid position is well conserved in available vertebrate species. Partial or complete loss of exon 6 is a known molecular mechanism of disease for arthrochalasia Ehlers-Danlos syndrome (Mart&iacute;n-Mart&iacute;n, 2022). RNA studies have demonstrated that this alteration results in abnormal splicing leading to deletion of exon 6 (Weil, 1989; D'Alessio, 1991). The in silico prediction for this amino acid alteration is inconclusive. In silico splice site analysis predicts that this nucleotide alteration may weaken the native splice donor site and may result in the creation or strengthening of a novel splice donor site. Based on the available evidence, this alteration is classified as pathogenic.

Clinical Biomedical Laboratory, Shriners Hospital For Children - Canada
Classification: Pathogenic for Ehlers-Danlos syndrome, arthrochalasia type. Last evaluated: 2025-06-18. Review status: criteria provided, single submitter. Criteria: ACMG Guidelines, 2015. Collection method: clinical testing. Allele origin: germline. Affected: yes.
Comment: This variant affects a nucleotide in exon 6 of COL1A1 that is located immediately adjacent to the exon/intron junction. This variant has been reported to alter splicing and lead to skipping of exon 6 of COL1A1 (PMID 2767050). Functional studies provide supporting evidence of the variant having a damaging effect (PMID: 2767050). In the Genome Aggregation Database (gnomAD v2.1.1) this variant is not present, indicating it is rare. Pathogenic variants that lead to skipping of COL1A1 exon 6 are an established cause of Ehlers-Danlos Syndrome, Arthrochalasia Type, previously also called Ehlers-Danlos Syndrome Type 7 (PMID: 28306225).

Labcorp Genetics (formerly Invitae), Labcorp
Classification: Likely pathogenic for Osteogenesis imperfecta type I. Last evaluated: 2025-05-04. Review status: criteria provided, single submitter. Criteria: Invitae Variant Classification Sherloc (09022015). Collection method: clinical testing. Allele origin: germline.
Comment: This sequence change replaces methionine, which is neutral and non-polar, with isoleucine, which is neutral and non-polar, at codon 181 of the COL1A1 protein (p.Met181Ile). RNA analysis indicates that this missense change induces altered splicing and likely results in a shortened protein product. This variant is not present in population databases (gnomAD no frequency). This missense change has been observed in individual(s) with Ehlers-Danlos syndrome type VII (PMID: 2767050). ClinVar contains an entry for this variant (Variation ID: 17311). Experimental studies and prediction algorithms are not available or were not evaluated, and the functional significance of this variant is currently unknown. Studies have shown that this missense change alters COL1A1 gene expression (PMID: 2767050). Variants that disrupt the consensus splice site are a relatively common cause of aberrant splicing (PMID: 17576681, 9536098). Studies have shown that this missense change results in skipping of exon 6, but is expected to preserve the integrity of the reading-frame (PMID: 1867198). In summary, the currently available evidence indicates that the variant is pathogenic, but additional data are needed to prove that conclusively. Therefore, this variant has been classified as Likely Pathogenic.

3billion
Classification: Likely pathogenic for Ehlers-Danlos syndrome, arthrochalasia type. Last evaluated: 2022-09-01. Review status: criteria provided, single submitter. Criteria: ACMG Guidelines, 2015. Collection method: clinical testing. Allele origin: germline. Affected: yes. Observed: 1 heterozygote.
Comment: The variant is not observed in the gnomAD v2.1.1 dataset. Missense variant at an exon/intron junction reported to alter splicing (PMID: 1867198). Functional studies provide supporting evidence of the variant having a damaging effect on the gene or gene product (PMID: 1867198, 2767050). Same nucleotide change resulting in same amino acid change has been previously reported to be associated with COL1A1 -related disorder (ClinVar ID: VCV000017311). The variant has been observed in at least two similarly affected unrelated individuals (PMID: 1867198, 2767050). The variant has been previously reported as assumed (i.e. paternity and maternity not confirmed) de novo in at least one similarly affected unrelated individual (PMID: 2767050). Therefore, this variant is classified as Likely pathogenic according to the recommendation of ACMG/AMP guideline.

Baylor Genetics
Classification: Pathogenic for Osteogenesis imperfecta type I. Last evaluated: 2021-03-18. Review status: criteria provided, single submitter. Criteria: ACMG Guidelines, 2015. Collection method: clinical testing. Allele origin: unknown.

OMIM
Classification: Pathogenic for EHLERS-DANLOS SYNDROME, ARTHROCHALASIA TYPE, 1. Last evaluated: 1991-08-01. Review status: no assertion criteria provided. Collection method: literature only. Allele origin: germline. Not counted in ClinVar's aggregate classification.

Literature cited by the submitters: PubMed 1867198 (cited by 4 submitters); PubMed 2767050 (cited by 5 submitters); PubMed 3082886 (cited by Ambry Genetics and OMIM); PubMed 32091183 (cited by Ambry Genetics); PubMed 35162892 (cited by Ambry Genetics); PubMed 28306225 (cited by Clinical Biomedical Laboratory, Shriners Hospital For Children - Canada); PubMed 17576681 (cited by Labcorp Genetics (formerly Invitae), Labcorp); PubMed 9536098 (cited by Labcorp Genetics (formerly Invitae), Labcorp); PubMed 6462220 (cited by OMIM).